The following is an entry in ClinVar:

ClinVar aggregate classification (germline): Uncertain significance (1 of 4 stars; one submission).

Conditions:
Inborn genetic diseases. Identifiers: MedGen C0950123, MeSH D030342.

Submission:

Ambry Genetics
Classification: Uncertain significance for Inborn genetic diseases. Last evaluated: 2026-03-12. Review status: criteria provided, single submitter. Criteria: Ambry Variant Classification Scheme 2023. Collection method: clinical testing. Allele origin: germline.
Comment: The p.H92R variant (also known as c.275A>G), located in coding exon 2 of the ANKRD26 gene, results from an A to G substitution at nucleotide position 275. The histidine at codon 92 is replaced by arginine, an amino acid with highly similar properties. This amino acid position is conserved. In addition, this alteration is predicted to be tolerated by in silico analysis. Based on the available evidence, the clinical significance of this variant remains unclear.

NM_014915.3(ANKRD26):c.275A>G (p.His92Arg)

Gene: ANKRD26 (ankyrin repeat domain 26; minus strand). Cytogenetic location: 10p12.1.
Variant type: single nucleotide variant.
Coding change: c.275A>G on transcript NM_014915.3 (MANE Select); coding-DNA position 275, A replaced by G.
Protein change: p.His92Arg; replaces histidine 92 with arginine.
Molecular consequence: missense variant.
Genome position (GRCh38, 1-based): chr10:27,093,767, T>C on the plus strand (A>G on the coding strand, the complement: ANKRD26 is on the minus strand). VCF-style: chr10-27093767-T-C. GRCh37 (hg19) VCF-style: chr10-27382696-T-C.
Other names: c.275A>G, p.His92Arg (NM_001256053.2); short protein forms H92R.
Identifiers: ClinVar variation 4826429 (VCV004826429.1).